The following is an entry in ClinVar:

ClinVar aggregate classification (germline): Uncertain significance (1 of 4 stars; one submission).

Conditions:
Cortical dysplasia-focal epilepsy syndrome (PTHSL1). Also called: Pitt-Hopkins-like syndrome 1. Identifiers: Orphanet 163681, Orphanet 221150, MedGen C2750246, MONDO:0012400, OMIM 610042.

gnomAD v4.1: 1 of 1,614,122 alleles (0.000062%); highest among the groups gnomAD compares: Non-Finnish European, 0.000085%; no homozygotes.

Submission:

Labcorp Genetics (formerly Invitae), Labcorp
Classification: Uncertain significance for Cortical dysplasia-focal epilepsy syndrome. Last evaluated: 2025-03-17. Review status: criteria provided, single submitter. Criteria: Invitae Variant Classification Sherloc (09022015). Collection method: clinical testing. Allele origin: germline.
Comment: This sequence change replaces aspartic acid, which is acidic and polar, with glutamic acid, which is acidic and polar, at codon 108 of the CNTNAP2 protein (p.Asp108Glu). This variant is not present in population databases (gnomAD no frequency). This variant has not been reported in the literature in individuals affected with CNTNAP2-related conditions. ClinVar contains an entry for this variant (Variation ID: 2111563). An algorithm developed to predict the effect of missense changes on protein structure and function (PolyPhen-2) suggests that this variant is likely to be disruptive. In summary, the available evidence is currently insufficient to determine the role of this variant in disease. Therefore, it has been classified as a Variant of Uncertain Significance.

NM_014141.6(CNTNAP2):c.324T>A (p.Asp108Glu)

Gene: CNTNAP2 (contactin associated protein 2; plus strand). Cytogenetic location: 7q35.
Variant type: single nucleotide variant.
Coding change: c.324T>A on transcript NM_014141.6 (MANE Select); coding-DNA position 324, T replaced by A.
Protein change: p.Asp108Glu; replaces aspartic acid 108 with glutamic acid.
Molecular consequence: missense variant.
Genome position (GRCh38, 1-based): chr7:146,839,826, T>A. VCF-style: chr7-146839826-T-A. GRCh37 (hg19) VCF-style: chr7-146536918-T-A.
Other names: short protein forms D108E.
Identifiers: ClinVar variation 2111563 (VCV002111563.4), dbSNP rs756947754, ClinGen allele CA369922713.